The following is an entry in ClinVar:

NM_000501.4(ELN):c.2146G>A (p.Gly716Arg)

Gene: ELN (elastin; plus strand). Cytogenetic location: 7q11.23.
Variant type: single nucleotide variant.
Coding change: c.2146G>A on transcript NM_000501.4 (MANE Select); coding-DNA position 2146, G replaced by A.
Protein change: p.Gly716Arg; replaces glycine 716 with arginine.
Molecular consequence: missense variant.
Genome position (GRCh38, 1-based): chr7:74,068,671, G>A. VCF-style: chr7-74068671-G-A. GRCh37 (hg19) VCF-style: chr7-73483001-G-A.
Other names: c.2005G>A, p.Gly669Arg (NM_001081752.3); c.2050G>A, p.Gly684Arg (NM_001081753.3); c.2107G>A, p.Gly703Arg (NM_001081754.3); c.2089G>A, p.Gly697Arg (NM_001081755.3); c.2092G>A, p.Gly698Arg (NM_001278912.2); c.1903G>A, p.Gly635Arg (NM_001278913.2); c.2074G>A, p.Gly692Arg (NM_001278914.2); c.2164G>A, p.Gly722Arg (NM_001278915.2); and 4 more; short protein forms G669R, G706R, G635R, G650R, G692R, G609R, G722R, G684R.
Identifiers: ClinVar variation 3706500 (VCV003706500.2).

ClinVar aggregate classification (germline): Uncertain significance (1 of 4 stars; one submission).

Conditions:
Supravalvar aortic stenosis (SVAS). Also called: Supravalvar aortic stenosis, Eisenberg type. Identifiers: Orphanet 3193, MedGen C0003499, MONDO:0008504, OMIM 185500, HP:0004381.

gnomAD v4.1: 1 of 1,614,114 alleles (0.000062%); highest among the groups gnomAD compares: Non-Finnish European, 0.000085%; no homozygotes.

Submission:

Labcorp Genetics (formerly Invitae), Labcorp
Classification: Uncertain significance for Supravalvar aortic stenosis. Last evaluated: 2025-03-22. Review status: criteria provided, single submitter. Criteria: Invitae Variant Classification Sherloc (09022015). Collection method: clinical testing. Allele origin: germline.
Comment: This sequence change replaces glycine, which is neutral and non-polar, with arginine, which is basic and polar, at codon 778 of the ELN protein (p.Gly778Arg). This variant is not present in population databases (gnomAD no frequency). This variant has not been reported in the literature in individuals affected with ELN-related conditions. Invitae Evidence Modeling of protein sequence and biophysical properties (such as structural, functional, and spatial information, amino acid conservation, physicochemical variation, residue mobility, and thermodynamic stability) indicates that this missense variant is not expected to disrupt ELN protein function with a negative predictive value of 80%. In summary, the available evidence is currently insufficient to determine the role of this variant in disease. Therefore, it has been classified as a Variant of Uncertain Significance.